The following is an entry in ClinVar:

ClinVar aggregate classification (germline): Uncertain significance (1 of 4 stars; one submission).

Conditions:
POLD1-related polyposis and colorectal cancer syndrome (CRCS10). Also called: Colorectal cancer 10; COLORECTAL CANCER, SUSCEPTIBILITY TO, ON CHROMOSOME 19q; Colorectal cancer, susceptibility to, 10. Identifiers: Orphanet 220460, MedGen C2675481, MONDO:0012953, OMIM 612591.

Submission:

Labcorp Genetics (formerly Invitae), Labcorp
Classification: Uncertain significance for POLD1-related polyposis and colorectal cancer syndrome. Last evaluated: 2020-02-02. Review status: criteria provided, single submitter. Criteria: Invitae Variant Classification Sherloc (09022015). Collection method: clinical testing. Allele origin: germline.
Comment: This sequence change replaces glutamine with arginine at codon 305 of the POLD1 protein (p.Gln305Arg). The glutamine residue is moderately conserved and there is a small physicochemical difference between glutamine and arginine. This variant is not present in population databases (ExAC no frequency). This variant has not been reported in the literature in individuals with POLD1-related conditions. Algorithms developed to predict the effect of missense changes on protein structure and function are either unavailable or do not agree on the potential impact of this missense change (SIFT: "Tolerated"; PolyPhen-2: "Possibly Damaging"; Align-GVGD: "Class C0"). In summary, the available evidence is currently insufficient to determine the role of this variant in disease. Therefore, it has been classified as a Variant of Uncertain Significance.

NM_002691.4(POLD1):c.914A>G (p.Gln305Arg)

Gene: POLD1 (DNA polymerase delta 1, catalytic subunit; plus strand). Cytogenetic location: 19q13.33.
Variant type: single nucleotide variant.
Coding change: c.914A>G on transcript NM_002691.4 (MANE Select); coding-DNA position 914, A replaced by G.
Protein change: p.Gln305Arg; replaces glutamine 305 with arginine.
Molecular consequence: missense variant. On other transcripts: non-coding transcript variant (1).
Genome position (GRCh38, 1-based): chr19:50,402,685, A>G. VCF-style: chr19-50402685-A-G. GRCh37 (hg19) VCF-style: chr19-50905942-A-G.
Other names: c.914A>G, p.Gln305Arg (NM_001256849.1, NM_001308632.1); short protein forms Q305R.
Identifiers: ClinVar variation 1053397 (VCV001053397.9), dbSNP rs2122258483, ClinGen allele CA406977100.